The following is an entry in ClinVar:

ClinVar aggregate classification (germline): Uncertain significance (1 of 4 stars; one submission).

Submission:

Labcorp Genetics (formerly Invitae), Labcorp
Classification: Uncertain significance. Last evaluated: 2025-02-17. Review status: criteria provided, single submitter. Criteria: Invitae Variant Classification Sherloc (09022015). Collection method: clinical testing. Allele origin: germline.
Comment: This sequence change replaces glycine, which is neutral and non-polar, with glutamic acid, which is acidic and polar, at codon 520 of the JAK1 protein (p.Gly520Glu). This variant is not present in population databases (gnomAD no frequency). This variant has not been reported in the literature in individuals affected with JAK1-related conditions. Invitae Evidence Modeling of protein sequence and biophysical properties (such as structural, functional, and spatial information, amino acid conservation, physicochemical variation, residue mobility, and thermodynamic stability) indicates that this missense variant is not expected to disrupt JAK1 protein function with a negative predictive value of 80%. In summary, the available evidence is currently insufficient to determine the role of this variant in disease. Therefore, it has been classified as a Variant of Uncertain Significance.

NM_002227.4(JAK1):c.1559G>A (p.Gly520Glu)

Gene: JAK1 (Janus kinase 1; minus strand). Cytogenetic location: 1p31.3.
Variant type: single nucleotide variant.
Coding change: c.1559G>A on transcript NM_002227.4 (MANE Select); coding-DNA position 1559, G replaced by A.
Protein change: p.Gly520Glu; replaces glycine 520 with glutamic acid.
Molecular consequence: missense variant.
Genome position (GRCh38, 1-based): chr1:64,855,598, C>T on the plus strand (G>A on the coding strand, the complement: JAK1 is on the minus strand). VCF-style: chr1-64855598-C-T. GRCh37 (hg19) VCF-style: chr1-65321281-C-T.
Other names: c.1559G>A, p.Gly520Glu (NM_001320923.2, NM_001321852.2, NM_001321853.2 and 3 more transcripts); c.1556G>A, p.Gly519Glu (NM_001321857.2); short protein forms G520E, G519E.
Identifiers: ClinVar variation 4743383 (VCV004743383.1).
Genomic context (GRCh38, chr1:64,855,598, plus strand): 5'-AGCATGAAGCTGATGTTATCCGTGCGCAGGATCTGCTTCTTGAGGTGGCTCATGAGGTCT[C>T]CCAAGCTGGGGAAGCTGCGGTCCGAACCGTGCAGACTGTAGCGGCCCTTCTGCACCTCGA-3'
Protein context (NP_002218.2, residues 510-530): HGSDRSFPSL[Gly520Glu]DLMSHLKKQI